The following is an entry in ClinVar:

NM_052844.4(DYNC2I2):c.361C>T (p.Arg121Ter)

Gene: DYNC2I2 (dynein 2 intermediate chain 2; minus strand). Cytogenetic location: 9q34.11.
Variant type: single nucleotide variant.
Coding change: c.361C>T on transcript NM_052844.4 (MANE Select); coding-DNA position 361, C replaced by T.
Protein change: p.Arg121Ter; replaces arginine 121 with a stop codon.
Molecular consequence: nonsense.
Genome position (GRCh38, 1-based): chr9:128,640,765, G>A on the plus strand (C>T on the coding strand, the complement: DYNC2I2 is on the minus strand). VCF-style: chr9-128640765-G-A. GRCh37 (hg19) VCF-style: chr9-131403044-G-A.
Other names: short protein forms R121*.
Identifiers: ClinVar variation 2051598 (VCV002051598.6), dbSNP rs371188707, ClinGen allele CA5266647.

ClinVar aggregate classification (germline): Pathogenic/Likely pathogenic. Review status: criteria provided, multiple submitters, no conflicts (2 of 4 stars). 3 submissions from 3 submitters: Pathogenic (2); Likely pathogenic (1). Last evaluated 2025-06-24.

Conditions:
DYNC2I2-related disorder. Also called: DYNC2I2-related condition.
Short-rib thoracic dysplasia 11 with or without polydactyly (SRTD11). Also called: SHORT-RIB THORACIC DYSPLASIA 11 WITHOUT POLYDACTYLY. Identifiers: Orphanet 474, Orphanet 93271, MedGen C3810200, MONDO:0014287, OMIM 615633.

Allele frequency attached by ClinVar (database versions not stated): gnomAD exomes 0.00001; ExAC 0.00003; TOPMed 0.00003; gnomAD 0.00005; ESP Exome Variant Server 0.00015.
gnomAD v4.1: 27 of 1,614,038 alleles (0.0017%); highest among the groups gnomAD compares: African/African-American, 0.011%; no homozygotes.

Submissions (3):

Labcorp Genetics (formerly Invitae), Labcorp
Classification: Pathogenic for Short-rib thoracic dysplasia 11 with or without polydactyly. Last evaluated: 2025-06-24. Review status: criteria provided, single submitter. Criteria: Invitae Variant Classification Sherloc (09022015). Collection method: clinical testing. Allele origin: germline.
Comment: This sequence change creates a premature translational stop signal (p.Arg121*) in the WDR34 gene. It is expected to result in an absent or disrupted protein product. Loss-of-function variants in WDR34 are known to be pathogenic (PMID: 24183449, 24183451, 28379358). This variant is present in population databases (rs371188707, gnomAD 0.02%). This variant has not been reported in the literature in individuals affected with WDR34-related conditions. ClinVar contains an entry for this variant (Variation ID: 2051598). For these reasons, this variant has been classified as Pathogenic.

PreventionGenetics, part of Exact Sciences
Classification: Likely pathogenic for DYNC2I2-related condition. Last evaluated: 2024-11-05. Review status: criteria provided, single submitter. Criteria: ACMG Guidelines, 2015. Collection method: clinical testing. Allele origin: germline.
Comment: The DYNC2I2 c.361C>T variant is predicted to result in premature protein termination (p.Arg121*). To our knowledge, this variant has not been reported in the literature. In ClinVar, this variant is interpreted as pathogenic. This variant is reported in 0.016% of alleles in individuals of African descent in gnomAD. Nonsense variants in DYNC2I2 are expected to be pathogenic. This variant is interpreted as likely pathogenic.

Women's Health and Genetics/Laboratory Corporation of America, LabCorp
Classification: Pathogenic for Short-rib thoracic dysplasia 11 with or without polydactyly. Last evaluated: 2024-09-05. Review status: criteria provided, single submitter. Criteria: LabCorp Variant Classification Summary - May 2015. Collection method: clinical testing. Allele origin: germline.
Comment: Variant summary: DYNC2I2 c.361C>T (p.Arg121X) results in a premature termination codon, predicted to cause a truncation of the encoded protein or absence of the protein due to nonsense mediated decay, which are commonly known mechanisms for disease. The variant allele was found at a frequency of 1.7e-05 in 1614038 control chromosomes. This frequency is not significantly higher than estimated for a pathogenic variant in DYNC2I2 causing Short-Rib Thoracic Dysplasia 11 With Or Without Polydactyly, allowing no conclusion about variant significance. To our knowledge, no occurrence of c.361C>T in individuals affected with Short-Rib Thoracic Dysplasia 11 With Or Without Polydactyly and no experimental evidence demonstrating its impact on protein function have been reported. ClinVar contains an entry for this variant (Variation ID: 2051598). Based on the evidence outlined above, the variant was classified as pathogenic.

Literature cited by the submitters: PubMed 24183449 (cited by Labcorp Genetics (formerly Invitae), Labcorp); PubMed 24183451 (cited by Labcorp Genetics (formerly Invitae), Labcorp); PubMed 28379358 (cited by Labcorp Genetics (formerly Invitae), Labcorp).